The following is an entry in ClinVar:

ClinVar aggregate classification (germline): Likely pathogenic (1 of 4 stars; one submission).

Conditions:
Hereditary spastic paraplegia 3A (SPG3A). Also called: SPASTIC PARAPLEGIA 3, AUTOSOMAL DOMINANT; FAMILIAL SPASTIC PARAPLEGIA, AUTOSOMAL DOMINANT, 1; SPG3; STRUMPELL DISEASE; Spastic Paraplegia 3A; Spastic paraplegia 3A, autosomal dominant. Identifiers: Orphanet 100984, MedGen C2931355, MONDO:0008437, OMIM 182600.

Submission:

Labcorp Genetics (formerly Invitae), Labcorp
Classification: Likely pathogenic for Hereditary spastic paraplegia 3A. Last evaluated: 2025-10-28. Review status: criteria provided, single submitter. Criteria: Invitae Variant Classification Sherloc (09022015). Collection method: clinical testing. Allele origin: germline.
Comment: This sequence change replaces arginine, which is basic and polar, with glycine, which is neutral and non-polar, at codon 198 of the ATL1 protein (p.Arg198Gly). This variant is not present in population databases (gnomAD no frequency). This missense change has been observed in individual(s) with clinical features of autosomal dominant hereditary spastic paraplegia (internal data). Invitae Evidence Modeling of protein sequence and biophysical properties (such as structural, functional, and spatial information, amino acid conservation, physicochemical variation, residue mobility, and thermodynamic stability) indicates that this missense variant is expected to disrupt ATL1 protein function with a positive predictive value of 95%. This variant disrupts the p.Arg198 amino acid residue in ATL1. Other variant(s) that disrupt this residue have been determined to be pathogenic (internal data). This suggests that this residue is clinically significant, and that variants that disrupt this residue are likely to be disease-causing. In summary, the currently available evidence indicates that the variant is pathogenic, but additional data are needed to prove that conclusively. Therefore, this variant has been classified as Likely Pathogenic.

NM_015915.5(ATL1):c.592A>G (p.Arg198Gly)

Gene: ATL1 (atlastin GTPase 1; plus strand). Cytogenetic location: 14q22.1.
Variant type: single nucleotide variant.
Coding change: c.592A>G on transcript NM_015915.5 (MANE Select); coding-DNA position 592, A replaced by G.
Protein change: p.Arg198Gly; replaces arginine 198 with glycine.
Molecular consequence: missense variant.
Genome position (GRCh38, 1-based): chr14:50,595,594, A>G. VCF-style: chr14-50595594-A-G. GRCh37 (hg19) VCF-style: chr14-51062312-A-G.
Other names: c.592A>G, p.Arg198Gly (NM_001127713.1, NM_181598.4); short protein forms R198G.
Identifiers: ClinVar variation 4709885 (VCV004709885.1).